The following is an entry in ClinVar:

NM_004621.6(TRPC6):c.440A>G (p.Glu147Gly)

Gene: TRPC6 (transient receptor potential cation channel subfamily C member 6; minus strand). Cytogenetic location: 11q22.1.
Variant type: single nucleotide variant.
Coding change: c.440A>G on transcript NM_004621.6 (MANE Select); coding-DNA position 440, A replaced by G.
Protein change: p.Glu147Gly; replaces glutamic acid 147 with glycine.
Molecular consequence: missense variant.
Genome position (GRCh38, 1-based): chr11:101,504,529, T>C on the plus strand (A>G on the coding strand, the complement: TRPC6 is on the minus strand). VCF-style: chr11-101504529-T-C. GRCh37 (hg19) VCF-style: chr11-101375260-T-C.
Other names: c.440A>G, p.Glu147Gly (NM_001439335.1); short protein forms E147G.
Identifiers: ClinVar variation 4293765 (VCV004293765.1).

ClinVar aggregate classification (germline): Uncertain significance (1 of 4 stars; one submission).

Conditions:
Focal segmental glomerulosclerosis 2 (FSGS2). Identifiers: Orphanet 656, MedGen C1858915, MONDO:0011390, OMIM 603965.

Submission:

3billion
Classification: Uncertain significance for Focal segmental glomerulosclerosis 2. Last evaluated: 2024-06-22. Review status: criteria provided, single submitter. Criteria: ACMG Guidelines, 2015. Collection method: clinical testing. Allele origin: germline. Affected: yes.
Comment: The variant is observed at an extremely low frequency in the gnomAD v4.0.0 dataset (total allele frequency: <0.001%). Predicted Consequence/Location: Missense variant In silico tool predictions suggest damaging effect of the variant on gene or gene product [REVEL: 0.82 (>=0.6, sensitivity 0.68 and specificity 0.92); 3Cnet: 0.94 (>=0.6, sensitivity 0.72 and precision 0.9)]. Therefore, this variant is classified as VUS according to the recommendation of ACMG/AMP guideline.